The following is an entry in ClinVar:

ClinVar aggregate classification (germline): Uncertain significance. Review status: criteria provided, multiple submitters, no conflicts (2 of 4 stars). 3 submissions from 3 submitters: Uncertain significance (3). Last evaluated 2024-11-22.

Conditions:
Inborn genetic diseases. Identifiers: MedGen C0950123, MeSH D030342.
Drash syndrome (DDS). Also called: WILMS TUMOR AND PSEUDO- OR TRUE HERMAPHRODITISM; NEPHROPATHY, WILMS TUMOR, AND GENITAL ANOMALIES. Identifiers: Orphanet 220, MedGen C0950121, MONDO:0008682, OMIM 194080.
Frasier syndrome. Identifiers: Orphanet 347, MedGen C0950122, MeSH D052159, MONDO:0007635, OMIM 136680.
Wilms tumor 1 (WT1). Also called: Wilms tumor, somatic. Identifiers: Orphanet 654, MedGen CN033288, MONDO:0008679, OMIM 194070.
11p partial monosomy syndrome (WAGR). Also called: WAGR syndrome; CHROMOSOME 11p13 DELETION SYNDROME; WAGR Complex; WAGR Spectrum Disorder. Identifiers: Orphanet 893, MedGen C0206115, MONDO:0008681, OMIM 194072.

gnomAD v4.1: 1 of 1,527,062 alleles (0.000065%); highest among the groups gnomAD compares: Non-Finnish European, 0.000088%; no homozygotes.

Submissions (3):

Ambry Genetics
Classification: Uncertain significance for Inborn genetic diseases. Last evaluated: 2024-11-22. Review status: criteria provided, single submitter. Criteria: Ambry Variant Classification Scheme 2023. Collection method: clinical testing. Allele origin: germline.
Comment: The p.L53F variant (also known as c.157C>T), located in coding exon 1 of the WT1 gene, results from a C to T substitution at nucleotide position 157. The leucine at codon 53 is replaced by phenylalanine, an amino acid with highly similar properties. This amino acid position is conserved. In addition, this alteration is predicted to be tolerated by in silico analysis. Based on the available evidence, the clinical significance of this variant remains unclear.

Baylor Genetics
Classification: Uncertain significance for Drash syndrome. Last evaluated: 2023-12-18. Review status: criteria provided, single submitter. Criteria: ACMG Guidelines, 2015. Collection method: clinical testing. Allele origin: unknown.

Labcorp Genetics (formerly Invitae), Labcorp
Classification: Uncertain significance for Wilms tumor 1; Drash syndrome; 11p partial monosomy syndrome; Frasier syndrome. Last evaluated: 2019-10-26. Review status: criteria provided, single submitter. Criteria: Invitae Variant Classification Sherloc (09022015). Collection method: clinical testing. Allele origin: germline.
Comment: In summary, the available evidence is currently insufficient to determine the role of this variant in disease. Therefore, it has been classified as a Variant of Uncertain Significance. Algorithms developed to predict the effect of missense changes on protein structure and function are either unavailable or do not agree on the potential impact of this missense change (SIFT: "Deleterious"; PolyPhen-2: "Benign"; Align-GVGD: "Class C0"). This variant has not been reported in the literature in individuals with WT1-related conditions. The frequency data for this variant in the population databases is considered unreliable, as metrics indicate insufficient coverage at this position in the ExAC database. This sequence change replaces leucine with phenylalanine at codon 53 of the WT1 protein (p.Leu53Phe). The leucine residue is weakly conserved and there is a small physicochemical difference between leucine and phenylalanine.

NM_024426.6(WT1):c.172C>T (p.Leu58Phe)

Genes: WT1 (WT1 transcription factor; minus strand), LOC107982234 (WT1/WT1-AS bi-directional promoter region; plus strand). Cytogenetic location: 11p13.
Variant type: single nucleotide variant.
Coding change: c.172C>T on transcript NM_024426.6 (MANE Select); coding-DNA position 172, C replaced by T.
Protein change: p.Leu58Phe; replaces leucine 58 with phenylalanine.
Molecular consequence: missense variant. On other transcripts: non-coding transcript variant (1).
Genome position (GRCh38, 1-based): chr11:32,435,189, G>A on the plus strand (C>T on the coding strand, the complement: WT1 is on the minus strand). VCF-style: chr11-32435189-G-A. GRCh37 (hg19) VCF-style: chr11-32456735-G-A.
Other names: c.172C>T, p.Leu58Phe (NM_000378.6, NM_024424.5); short protein forms L58F.
Identifiers: ClinVar variation 965853 (VCV000965853.12), dbSNP rs1412425868, ClinGen allele CA379966235.